The following is an entry in ClinVar:

NM_001370658.1(BTD):c.33C>A (p.Phe11Leu)

Gene: BTD (biotinidase; plus strand). Cytogenetic location: 3p25.1.
Variant type: single nucleotide variant.
Coding change: c.33C>A on transcript NM_001370658.1 (MANE Select); coding-DNA position 33, C replaced by A.
Protein change: p.Phe11Leu; replaces phenylalanine 11 with leucine.
Molecular consequence: missense variant.
Genome position (GRCh38, 1-based): chr3:15,635,472, C>A. VCF-style: chr3-15635472-C-A. GRCh37 (hg19) VCF-style: chr3-15676979-C-A.
Other names: c.93C>A, p.Phe31Leu (NM_000060.4); c.33C>A, p.Phe11Leu (NM_001281723.4, NM_001281724.3, NM_001281725.3 and 37 more transcripts); short protein forms F31L, F11L.
Identifiers: ClinVar variation 2199426 (VCV002199426.1), dbSNP rs921977208, ClinGen allele CA70613435.
Genomic context (GRCh38, chr3:15,635,472, plus strand): 5'-ATTACATTCCAGATTTGTGGTCTGCATTATGTCTGGAGCCAGAAGTAAGCTTGCTCTTTT[C>A]CTCTGCGGCTGTTACGTGGTTGCCCTGGGAGCCCACACCGGGGAGGAGAGCGTGGCTGAC-3'
Protein context (NP_001357587.1, residues 1-21): MSGARSKLAL[Phe11Leu]LCGCYVVALG

ClinVar aggregate classification (germline): Uncertain significance (1 of 4 stars; one submission).

Conditions:
Biotinidase deficiency. Also called: BTD deficiency; Late-onset biotin-responsive multiple carboxylase deficiency; Biotin deficiency. Identifiers: Orphanet 79241, MedGen C0220754, MONDO:0009665, OMIM 253260.

Allele frequency attached by ClinVar (database versions not stated): gnomAD 0.00001; gnomAD exomes 0.00001; TOPMed 0.00003.
gnomAD v4.1: 6 of 1,614,106 alleles (0.00037%); highest among the groups gnomAD compares: Admixed American, 0.0083%; no homozygotes.

Submission:

Labcorp Genetics (formerly Invitae), Labcorp
Classification: Uncertain significance for Biotinidase deficiency. Last evaluated: 2022-02-25. Review status: criteria provided, single submitter. Criteria: Invitae Variant Classification Sherloc (09022015). Collection method: clinical testing. Allele origin: germline.
Comment: This sequence change replaces phenylalanine, which is neutral and non-polar, with leucine, which is neutral and non-polar, at codon 31 of the BTD protein (p.Phe31Leu). This variant is present in population databases (no rsID available, gnomAD 0.003%). This variant has not been reported in the literature in individuals affected with BTD-related conditions. Algorithms developed to predict the effect of missense changes on protein structure and function output the following: SIFT: "Tolerated"; PolyPhen-2: "Benign"; Align-GVGD: "Class C0". The leucine amino acid residue is found in multiple mammalian species, which suggests that this missense change does not adversely affect protein function. In summary, the available evidence is currently insufficient to determine the role of this variant in disease. Therefore, it has been classified as a Variant of Uncertain Significance.